The following is an entry in ClinVar:

ClinVar aggregate classification (germline): Pathogenic. Review status: criteria provided, multiple submitters, no conflicts (2 of 4 stars). 2 submissions from 2 submitters: Pathogenic (2). Last evaluated 2026-06-01.

Conditions:
Breast-ovarian cancer, familial, susceptibility to, 1 (BROVCA1). Also called: OVARIAN CANCER, SUSCEPTIBILITY TO; BRCA1 Hereditary Breast and Ovarian Cancer. Identifiers: Orphanet 145, MedGen C2676676, MONDO:0011450, OMIM 604370. Disease mechanism: loss of function.
Hereditary breast ovarian cancer syndrome. Also called: Hereditary breast and ovarian cancer syndrome (HBOC); Breast and ovarian cancer; Hereditary breast and/or ovarian cancer syndrome; BRCA1- and BRCA2-Associated Hereditary Breast and Ovarian Cancer; Hereditary breast and ovarian cancer syndrome; Hereditary breast and ovarian cancer. Identifiers: Orphanet 145, MedGen C0677776, MeSH D061325, MONDO:0003582. Disease mechanism: loss of function.

Submissions (2):

Women's Health and Genetics/Laboratory Corporation of America, LabCorp
Classification: Pathogenic for Hereditary breast ovarian cancer syndrome. Last evaluated: 2026-06-01. Review status: criteria provided, single submitter. Criteria: LabCorp Variant Classification Summary - May 2015. Collection method: clinical testing. Allele origin: germline.
Comment: Variant summary: BRCA1 c.1699_1700delAA (p.Asn567SerfsX2) results in a premature termination codon, predicted to cause a truncation of the encoded protein or absence of the protein due to nonsense mediated decay, which are commonly known mechanisms for disease. The variant was absent in 250396 control chromosomes. To our knowledge, no occurrence of c.1699_1700delAA in individuals affected with BRCA1-related conditions and no experimental evidence demonstrating its impact on protein function have been reported. No submitters have cited clinical-significance assessments for this variant to ClinVar. Based on the evidence outlined above, the variant was classified as pathogenic.

Myriad Genetics, Inc.
Classification: Pathogenic for Breast-ovarian cancer, familial, susceptibility to, 1. Last evaluated: 2026-04-21. Review status: criteria provided, single submitter. Criteria: Myriad Autosomal Dominant, Autosomal Recessive and X-Linked Classification Criteria (2023). Collection method: clinical testing. Allele origin: unknown.
Comment: This variant is considered pathogenic. This variant creates a frameshift predicted to result in premature protein truncation.

NM_007294.4(BRCA1):c.1699_1700del (p.Asn567fs)

Gene: BRCA1 (BRCA1 DNA repair associated; minus strand). Cytogenetic location: 17q21.31.
Variant type: Deletion.
Coding change: c.1699_1700del on transcript NM_007294.4 (MANE Select); coding-DNA positions 1699 to 1700, 2 bases deleted (AA; older notation c.1699_1700delAA).
Protein change: p.Asn567fs; shifts the reading frame from asparagine 567.
Molecular consequence: frameshift variant. On other transcripts: intron variant (137).
Genome position (GRCh38, 1-based): chr17:43,093,831-43,093,832, TT deleted on the plus strand (AA on the coding strand, the reverse complement: BRCA1 is on the minus strand); deleting any 2 consecutive bases within chr17:43,093,831-43,093,835 gives the same sequence; the c. name uses the placement nearest the transcript's 3' end. VCF-style (leftmost placement, unchanged base first): chr17-43093830-ATT-A. GRCh37 (hg19) VCF-style: chr17-41245847-ATT-A.
Other names: c.1699_1700del, p.Asn567fs (NM_001407619.1, NM_001407620.1, NM_001407621.1 and 30 more transcripts); c.1696_1697del, p.Asn566fs (NM_001407627.1, NM_001407628.1, NM_001407637.1 and 22 more transcripts); c.1690_1691del, p.Asn564fs (NM_001407646.1, NM_001407647.1); c.1621_1622del, p.Asn541fs (NM_001407658.1, NM_001407663.1, NM_001407653.1 and 4 more transcripts); c.1618_1619del, p.Asn540fs (NM_001407659.1, NM_001407660.1, NM_001407661.1 and 1 more transcripts); c.1576_1577del, p.Asn526fs (NM_001407664.1, NM_001407665.1, NM_001407666.1 and 19 more transcripts); c.1573_1574del, p.Asn525fs (NM_001407685.1, NM_001407940.1, NM_001407941.1 and 11 more transcripts); c.1555_1556del, p.Asn519fs (NM_001407745.1, NM_001407746.1, NM_001407747.1 and 20 more transcripts); and 41 more; short protein forms N271fs, N399fs, N439fs, N440fs, N455fs, N456fs, N478fs, N479fs.
Identifiers: ClinVar variation 4875788 (VCV004875788.2).